The following is an entry in ClinVar:

ClinVar aggregate classification (germline): Uncertain significance (1 of 4 stars; one submission).

Conditions:
Centromeric instability of chromosomes 1,9 and 16 and immunodeficiency (ICF1). Also called: CENTROMERIC INSTABILITY, IMMUNODEFICIENCY SYNDROME; IMMUNE DEFICIENCY, VARIABLE, WITH CENTROMERIC INSTABILITY OF CHROMOSOMES 1, 9, AND 16; IMMUNODEFICIENCY SYNDROME, VARIABLE; Immunodeficiency-centromeric instability-facial anomalies. Identifiers: Orphanet 2268, MedGen C0398788, MONDO:0000133.

Submission:

Labcorp Genetics (formerly Invitae), Labcorp
Classification: Uncertain significance for Centromeric instability of chromosomes 1,9 and 16 and immunodeficiency. Last evaluated: 2022-08-19. Review status: criteria provided, single submitter. Criteria: Invitae Variant Classification Sherloc (09022015). Collection method: clinical testing. Allele origin: germline.
Comment: In summary, the available evidence is currently insufficient to determine the role of this variant in disease. Therefore, it has been classified as a Variant of Uncertain Significance. Algorithms developed to predict the effect of missense changes on protein structure and function output the following: SIFT: "Tolerated"; PolyPhen-2: "Benign"; Align-GVGD: "Class C0". The glutamic acid amino acid residue is found in multiple mammalian species, which suggests that this missense change does not adversely affect protein function. ClinVar contains an entry for this variant (Variation ID: 1521068). This variant has not been reported in the literature in individuals affected with DNMT3B-related conditions. This variant is not present in population databases (gnomAD no frequency). This sequence change replaces aspartic acid, which is acidic and polar, with glutamic acid, which is acidic and polar, at codon 385 of the DNMT3B protein (p.Asp385Glu).

NM_006892.4(DNMT3B):c.1155C>G (p.Asp385Glu)

Gene: DNMT3B (DNA methyltransferase 3 beta; plus strand). Cytogenetic location: 20q11.21.
Variant type: single nucleotide variant.
Coding change: c.1155C>G on transcript NM_006892.4 (MANE Select); coding-DNA position 1155, C replaced by G.
Protein change: p.Asp385Glu; replaces aspartic acid 385 with glutamic acid.
Molecular consequence: missense variant.
Genome position (GRCh38, 1-based): chr20:32,795,437, C>G. VCF-style: chr20-32795437-C-G. GRCh37 (hg19) VCF-style: chr20-31383243-C-G.
Other names: c.969C>G, p.Asp323Glu (NM_001207055.2); c.867C>G, p.Asp289Glu (NM_001207056.2); c.1095C>G, p.Asp365Glu (NM_175848.2, NM_175849.2); c.1131C>G, p.Asp377Glu (NM_175850.3); short protein forms D289E, D365E, D385E, D323E, D377E.
Identifiers: ClinVar variation 1521068 (VCV001521068.8), dbSNP rs556733675, ClinGen allele CA408585152.